The following is an entry in ClinVar:

ClinVar aggregate classification (germline): Uncertain significance (1 of 4 stars; one submission).

Conditions:
Epidermolysis bullosa simplex 3, localized or generalized intermediate, with BP230 deficiency (EBS3). Also called: Epidermolysis bullosa simplex due to BP230 deficiency; Epidermolysis bullosa simplex, autosomal recessive 2. Identifiers: Orphanet 412181, MedGen C3809470, MONDO:0014180, OMIM 615425.
Hereditary sensory and autonomic neuropathy type 6. Also called: HSAN VI; Neuropathy, hereditary sensory and autonomic, type VI. Identifiers: Orphanet 314381, MedGen C3539003, MONDO:0013839, OMIM 614653.

Allele frequency attached by ClinVar (database versions not stated): gnomAD exomes below 0.00001.
gnomAD v4.1: 1 of 1,612,298 alleles (0.000062%); highest among the groups gnomAD compares: Non-Finnish European, 0.000085%; no homozygotes.

Submission:

Labcorp Genetics (formerly Invitae), Labcorp
Classification: Uncertain significance for Epidermolysis bullosa simplex 3, localized or generalized intermediate, with BP230 deficiency; Hereditary sensory and autonomic neuropathy type 6. Last evaluated: 2022-02-12. Review status: criteria provided, single submitter. Criteria: Invitae Variant Classification Sherloc (09022015). Collection method: clinical testing. Allele origin: germline.
Comment: This variant is not present in population databases (gnomAD no frequency). This sequence change replaces glutamic acid, which is acidic and polar, with lysine, which is basic and polar, at codon 1315 of the DST protein (p.Glu1315Lys). The DST gene has multiple clinically relevant transcripts. This variant occurs in alternate transcript NM_015548.4, and corresponds to NM_001723.5:c.*16925G>A in the primary transcript. In summary, the available evidence is currently insufficient to determine the role of this variant in disease. Therefore, it has been classified as a Variant of Uncertain Significance. Experimental studies and prediction algorithms are not available or were not evaluated, and the functional significance of this variant is currently unknown. This variant has not been reported in the literature in individuals affected with DST-related conditions.

NM_001374736.1(DST):c.11812G>A (p.Glu3938Lys)

Gene: DST (dystonin; minus strand). Cytogenetic location: 6p12.1.
Variant type: single nucleotide variant.
Coding change: c.11812G>A on transcript NM_001374736.1 (MANE Select); coding-DNA position 11812, G replaced by A.
Protein change: p.Glu3938Lys; replaces glutamic acid 3938 with lysine.
Molecular consequence: missense variant.
Genome position (GRCh38, 1-based): chr6:56,598,592, C>T on the plus strand (G>A on the coding strand, the complement: DST is on the minus strand). VCF-style: chr6-56598592-C-T. GRCh37 (hg19) VCF-style: chr6-56463390-C-T.
Other names: c.5455G>A, p.Glu1819Lys (NM_001144769.5); c.5041G>A, p.Glu1681Lys (NM_001144770.2); c.11812G>A, p.Glu3938Lys (NM_001374722.1); c.11179G>A, p.Glu3727Lys (NM_001374729.1); c.4921G>A, p.Glu1641Lys (NM_001374730.1, NM_001386100.1, NM_183380.4); c.11839G>A, p.Glu3947Lys (NM_001374734.1); c.3943G>A, p.Glu1315Lys (NM_015548.5); short protein forms E1315K, E1641K, E1681K, E3947K, E1819K, E3727K, E3938K.
Identifiers: ClinVar variation 2097031 (VCV002097031.4), dbSNP rs2536247743, ClinGen allele CA364529153.